The following is an entry in ClinVar:

NM_001698.3(AUH):c.285_287delinsTTCCA (p.Arg96fs)

Gene: AUH (AU RNA binding methylglutaconyl-CoA hydratase; minus strand). Cytogenetic location: 9q22.31.
Variant type: Indel.
Coding change: c.285_287delinsTTCCA on transcript NM_001698.3 (MANE Select); coding-DNA positions 285 to 287, CAG replaced by TTCCA.
Protein change: p.Arg96fs; shifts the reading frame from arginine 96.
Molecular consequence: frameshift variant. On other transcripts: 5 prime UTR variant (3).
Genome position (GRCh38, 1-based): chr9:91,356,131-91,356,133, CTG replaced by TGGAA on the plus strand (CAG replaced by TTCCA on the coding strand, the reverse complement: AUH is on the minus strand). VCF-style: chr9-91356131-CTG-TGGAA. GRCh37 (hg19) VCF-style: chr9-94118413-CTG-TGGAA.
Other names: c.285_287delinsTTCCA, p.Arg96fs (NM_001306190.2); c.-43_-41delinsTTCCA (NM_001351431.2, NM_001351432.2, NM_001351433.2); short protein forms R96fs.
Identifiers: ClinVar variation 1686747 (VCV001686747.3), dbSNP rs2132084260, ClinGen allele CA2573144785.

ClinVar aggregate classification (germline): Pathogenic (1 of 4 stars; one submission).

Submission:

GeneDx
Classification: Pathogenic. Last evaluated: 2024-10-10. Review status: criteria provided, single submitter. Criteria: GeneDx Variant Classification Process June 2021. Collection method: clinical testing. Allele origin: germline.
Comment: Frameshift variant predicted to result in protein truncation or nonsense mediated decay in a gene for which loss of function is a known mechanism of disease; Not observed at significant frequency in large population cohorts (gnomAD); Has not been previously published as pathogenic or benign to our knowledge